The following is an entry in ClinVar:

NM_013247.5(HTRA2):c.1318C>T (p.Gln440Ter)

Genes: HTRA2 (HtrA serine peptidase 2; plus strand), LOXL3 (lysyl oxidase like 3; minus strand). Cytogenetic location: 2p13.1.
Variant type: single nucleotide variant.
Coding change: c.1318C>T on transcript NM_013247.5 (MANE Select); coding-DNA position 1318, C replaced by T.
Protein change: p.Gln440Ter; replaces glutamine 440 with a stop codon.
Molecular consequence: nonsense. On other transcripts: non-coding transcript variant (4), 3 prime UTR variant (3).
Genome position (GRCh38, 1-based): chr2:74,532,926, C>T. VCF-style: chr2-74532926-C-T. GRCh37 (hg19) VCF-style: chr2-74760053-C-T.
Other names: p.Gln440*; c.1252C>T, p.Gln418Ter (NM_001321727.1); c.1222C>T, p.Gln408Ter (NM_001321728.1); c.1027C>T, p.Gln343Ter (NM_145074.2); c.*680G>A (NM_001289164.3, NM_001289165.2, NM_032603.5); short protein forms Q343*, Q408*, Q418*, Q440*.
Identifiers: ClinVar variation 2012356 (VCV002012356.2), dbSNP rs2529909206, ClinGen allele CA347383110.

ClinVar aggregate classification (germline): Conflicting classifications of pathogenicity. Review status: criteria provided, conflicting classifications (1 of 4 stars). 2 submissions from 2 submitters: Likely pathogenic (1); Uncertain significance (1). Last evaluated 2022-07-25.

Submissions (2):

Mayo Clinic Laboratories, Mayo Clinic
Classification: Likely pathogenic. Last evaluated: 2022-07-25. Review status: criteria provided, single submitter. Criteria: ACMG Guidelines, 2015. Collection method: clinical testing. Allele origin: germline. Observed: 1 variant allele.
Comment: PP4, PM2, PVS1_strong

Labcorp Genetics (formerly Invitae), Labcorp
Classification: Uncertain significance. Last evaluated: 2022-06-29. Review status: criteria provided, single submitter. Criteria: Invitae Variant Classification Sherloc (09022015). Collection method: clinical testing. Allele origin: germline.
Comment: This sequence change creates a premature translational stop signal (p.Gln440*) in the HTRA2 gene. While this is not anticipated to result in nonsense mediated decay, it is expected to disrupt the last 19 amino acid(s) of the HTRA2 protein. This variant is not present in population databases (gnomAD no frequency). This variant has not been reported in the literature in individuals affected with HTRA2-related conditions. Experimental studies and prediction algorithms are not available or were not evaluated, and the functional significance of this variant is currently unknown. In summary, the available evidence is currently insufficient to determine the role of this variant in disease. Therefore, it has been classified as a Variant of Uncertain Significance.